The following is an entry in ClinVar:

ClinVar aggregate classification (germline): Likely benign (1 of 4 stars; one submission).

Allele frequency attached by ClinVar (database versions not stated): 1000 Genomes Project 30x 0.00062; 1000 Genomes Project 0.00080; ESP Exome Variant Server 0.00231.
gnomAD v4.1: 4,189 of 1,613,550 alleles (0.26%); highest among the groups gnomAD compares: Non-Finnish European, 0.3%; 6 homozygotes.

Submission:

CeGaT Center for Human Genetics Tuebingen
Classification: Likely benign. Last evaluated: 2026-04-01. Review status: criteria provided, single submitter. Criteria: CeGaT Center For Human Genetics Tuebingen Variant Classification Criteria Version 2. Collection method: clinical testing. Allele origin: germline. Affected: yes. Observed: 3 variant alleles.
Comment: COL14A1: BP4, BS1

NM_021110.4(COL14A1):c.1239G>A (p.Met413Ile)

Gene: COL14A1 (collagen type XIV alpha 1 chain; plus strand). Cytogenetic location: 8q24.12.
Variant type: single nucleotide variant.
Coding change: c.1239G>A on transcript NM_021110.4 (MANE Select); coding-DNA position 1239, G replaced by A.
Protein change: p.Met413Ile; replaces methionine 413 with isoleucine.
Molecular consequence: missense variant.
Genome position (GRCh38, 1-based): chr8:120,208,279, G>A. VCF-style: chr8-120208279-G-A. GRCh37 (hg19) VCF-style: chr8-121220518-G-A.
Other names: c.1239G>A, p.Met413Ile (NM_001384947.1, NM_001413490.1, NM_001413491.1 and 4 more transcripts); c.1152G>A, p.Met384Ile (NM_001413495.1, NM_001413497.1, NM_001413498.1); short protein forms M384I, M413I.
Identifiers: ClinVar variation 3067190 (VCV003067190.21), dbSNP rs61754504, ClinGen allele CA4858807.